The following is an entry in ClinVar:

ClinVar aggregate classification (germline): Uncertain significance (1 of 4 stars; one submission).

Conditions:
MC4R-related disorder. Also called: MC4R-related condition.

Submission:

PreventionGenetics, part of Exact Sciences
Classification: Uncertain significance for MC4R-related condition. Last evaluated: 2024-12-18. Review status: criteria provided, single submitter. Criteria: ACMG Guidelines, 2015. Collection method: clinical testing. Allele origin: germline.
Comment: The MC4R c.378C>G variant is predicted to result in the amino acid substitution p.Asp126Glu. To our knowledge, this variant has not been reported in the literature or in a large population database (gnomAD), indicating this variant is rare. However, other missense variants leading to the same amino acid change or impacting the same amino acid, have been reported in individuals and families with obesity [c.378C>A (p.Asp126Glu), Akıncı et al. 2019. PubMed ID: 30991789; c.376G>T (p.Asp126Tyr), Stutzmann et al. 2008. PubMed ID: 18559663]. At this time, the clinical significance of this variant is uncertain due to the absence of conclusive functional and genetic evidence.

NM_005912.3(MC4R):c.378C>G (p.Asp126Glu)

Gene: MC4R (melanocortin 4 receptor; minus strand). Cytogenetic location: 18q21.32.
Variant type: single nucleotide variant.
Coding change: c.378C>G on transcript NM_005912.3 (MANE Select); coding-DNA position 378, C replaced by G.
Protein change: p.Asp126Glu; replaces aspartic acid 126 with glutamic acid.
Molecular consequence: missense variant.
Genome position (GRCh38, 1-based): chr18:60,371,972, G>C on the plus strand (C>G on the coding strand, the complement: MC4R is on the minus strand). VCF-style: chr18-60371972-G-C. GRCh37 (hg19) VCF-style: chr18-58039205-G-C.
Other names: short protein forms D126E.
Identifiers: ClinVar variation 5002275 (VCV005002275.1).